The following is an entry in ClinVar:

ClinVar aggregate classification (germline): Uncertain significance (1 of 4 stars; one submission).

Conditions:
Ichthyosis linearis circumflexa. Identifiers: MedGen C0265962, MONDO:0043106, HP:0025810.

Allele frequency attached by ClinVar (database versions not stated): gnomAD exomes below 0.00001.
gnomAD v4.1: 2 of 1,611,544 alleles (0.00012%); highest among the groups gnomAD compares: Admixed American, 0.0033%; no homozygotes.

Submission:

Labcorp Genetics (formerly Invitae), Labcorp
Classification: Uncertain significance for Ichthyosis linearis circumflexa. Last evaluated: 2023-12-06. Review status: criteria provided, single submitter. Criteria: Invitae Variant Classification Sherloc (09022015). Collection method: clinical testing. Allele origin: germline.
Comment: This sequence change replaces glutamic acid, which is acidic and polar, with lysine, which is basic and polar, at codon 211 of the SPINK5 protein (p.Glu211Lys). The frequency data for this variant in the population databases is considered unreliable, as metrics indicate poor data quality at this position in the gnomAD database. This variant has not been reported in the literature in individuals affected with SPINK5-related conditions. ClinVar contains an entry for this variant (Variation ID: 844607). Advanced modeling of protein sequence and biophysical properties (such as structural, functional, and spatial information, amino acid conservation, physicochemical variation, residue mobility, and thermodynamic stability) performed at Invitae indicates that this missense variant is not expected to disrupt SPINK5 protein function with a negative predictive value of 80%. In summary, the available evidence is currently insufficient to determine the role of this variant in disease. Therefore, it has been classified as a Variant of Uncertain Significance.

NM_006846.4(SPINK5):c.631G>A (p.Glu211Lys)

Gene: SPINK5 (serine peptidase inhibitor Kazal type 5; plus strand). Cytogenetic location: 5q32.
Variant type: single nucleotide variant.
Coding change: c.631G>A on transcript NM_006846.4 (MANE Select); coding-DNA position 631, G replaced by A.
Protein change: p.Glu211Lys; replaces glutamic acid 211 with lysine.
Molecular consequence: missense variant.
Genome position (GRCh38, 1-based): chr5:148,091,193, G>A. VCF-style: chr5-148091193-G-A. GRCh37 (hg19) VCF-style: chr5-147470756-G-A.
Other names: c.631G>A, p.Glu211Lys (NM_001127698.2, NM_001127699.2); short protein forms E211K.
Identifiers: ClinVar variation 844607 (VCV000844607.10), dbSNP rs1163889432, ClinGen allele CA361890824.